The following is an entry in ClinVar:

ClinVar aggregate classification (germline): Likely benign. Review status: criteria provided, multiple submitters, no conflicts (2 of 4 stars). 4 submissions from 4 submitters: Likely benign (4). Last evaluated 2025-08-17.

Conditions:
Muscular dystrophy-dystroglycanopathy (congenital with brain and eye anomalies), type A14. Also called: Congenital muscular dystrophy-dystroglycanopathy with brain and eye anomalies, type A14; WALKER-WARBURG SYNDROME OR MUSCLE-EYE-BRAIN DISEASE, GMPPB-RELATED; Muscular dystrophy-dystroglycanopathy (congenital with brain and eye anomalies), type a, 14; Congenital Muscular Dystrophy-Dystroglycanopathy with Brain and Eye Anomalies Type A 14. Identifiers: Orphanet 588, MedGen C3809216, MONDO:0014140, OMIM 615350.
Muscular dystrophy-dystroglycanopathy (congenital with impaired intellectual development), type B, 14. Also called: Congenital muscular dystrophy-dystroglycanopathy with mental retardation, type B14; Muscular dystrophy-dystroglycanopathy (congenital with intellectual disability), type B14; MUSCULAR DYSTROPHY, CONGENITAL, GMPPB-RELATED. Identifiers: MedGen C3809221, MONDO:0014141, OMIM 615351.
Autosomal recessive limb-girdle muscular dystrophy type 2T. Also called: Limb-girdle muscular dystrophy-dystroglycanopathy, type C14; MUSCULAR DYSTROPHY-DYSTROGLYCANOPATHY, LIMB-GIRDLE, GMPPB-RELATED; MUSCULAR DYSTROPHY, LIMB-GIRDLE, TYPE 2T; Muscular dystrophy-dystroglycanopathy (limb-girdle), type c, 14. Identifiers: Orphanet 363623, MedGen C4518000, MONDO:0014142, OMIM 615352.

Allele frequency attached by ClinVar (database versions not stated): TOPMed 0.00006; gnomAD 0.00006 and 0.00007; gnomAD exomes 0.00007 and 0.00005; ExAC 0.00008; ESP Exome Variant Server 0.00008.
gnomAD v4.1: 106 of 1,614,056 alleles (0.0066%); highest among the groups gnomAD compares: Non-Finnish European, 0.0084%; no homozygotes.

Submissions (4):

Labcorp Genetics (formerly Invitae), Labcorp
Classification: Likely benign for Autosomal recessive limb-girdle muscular dystrophy type 2T; Muscular dystrophy-dystroglycanopathy (congenital with brain and eye anomalies), type A14; Muscular dystrophy-dystroglycanopathy (congenital with impaired intellectual development), type B, 14. Last evaluated: 2025-08-17. Review status: criteria provided, single submitter. Criteria: Invitae Variant Classification Sherloc (09022015). Collection method: clinical testing. Allele origin: germline.

Blueprint Genetics
Classification: Likely benign. Last evaluated: 2024-09-09. Review status: criteria provided, single submitter. Criteria: ACMG Guidelines, 2015. Collection method: clinical testing. Allele origin: germline.

CeGaT Center for Human Genetics Tuebingen
Classification: Likely benign. Last evaluated: 2022-10-01. Review status: criteria provided, single submitter. Criteria: CeGaT Center For Human Genetics Tuebingen Variant Classification Criteria Version 2. Collection method: clinical testing. Allele origin: germline. Affected: yes. Observed: 1 variant allele.
Comment: GMPPB: BP4, BP7

GeneDx
Classification: Likely benign. Last evaluated: 2018-04-19. Review status: criteria provided, single submitter. Criteria: GeneDx Variant Classification (06012015). Collection method: clinical testing. Allele origin: germline. Affected: yes.
Comment: This variant is considered likely benign or benign based on one or more of the following criteria: it is a conservative change, it occurs at a poorly conserved position in the protein, it is predicted to be benign by multiple in silico algorithms, and/or has population frequency not consistent with disease.

NM_021971.4(GMPPB):c.621A>G (p.Leu207=)

Gene: GMPPB (GDP-mannose pyrophosphorylase B; minus strand). Cytogenetic location: 3p21.31.
Variant type: single nucleotide variant.
Coding change: c.621A>G on transcript NM_021971.4 (MANE Select); coding-DNA position 621, A replaced by G.
Protein change: p.Leu207=; no amino-acid change (leucine 207 retained).
Molecular consequence: synonymous variant.
Genome position (GRCh38, 1-based): chr3:49,722,451, T>C on the plus strand (A>G on the coding strand, the complement: GMPPB is on the minus strand). VCF-style: chr3-49722451-T-C. GRCh37 (hg19) VCF-style: chr3-49759884-T-C.
Other names: c.621A>G, p.Leu207= (NM_013334.4).
Identifiers: ClinVar variation 682062 (VCV000682062.33), dbSNP rs369255307, ClinGen allele CA2405498.